The following is an entry in ClinVar:

ClinVar aggregate classification (germline): Uncertain significance (1 of 4 stars; one submission).

Submission:

GeneDx
Classification: Uncertain significance. Last evaluated: 2025-06-23. Review status: criteria provided, single submitter. Criteria: GeneDx Variant Classification Process June 2021. Collection method: clinical testing. Allele origin: germline. Affected: yes.
Comment: Not observed at significant frequency in large population cohorts (gnomAD); In silico analysis suggests that this missense variant does not alter protein structure/function; Has not been previously published as pathogenic or benign to our knowledge

NM_006734.4(HIVEP2):c.4669A>G (p.Ser1557Gly)

Gene: HIVEP2 (HIVEP zinc finger 2; minus strand). Cytogenetic location: 6q24.2.
Variant type: single nucleotide variant.
Coding change: c.4669A>G on transcript NM_006734.4 (MANE Select); coding-DNA position 4669, A replaced by G.
Protein change: p.Ser1557Gly; replaces serine 1557 with glycine.
Molecular consequence: missense variant.
Genome position (GRCh38, 1-based): chr6:142,770,070, T>C on the plus strand (A>G on the coding strand, the complement: HIVEP2 is on the minus strand). VCF-style: chr6-142770070-T-C. GRCh37 (hg19) VCF-style: chr6-143091207-T-C.
Other names: c.4669A>G, p.Ser1557Gly (NM_001438449.1, NM_001438450.1, NM_001438451.1); short protein forms S1557G.
Identifiers: ClinVar variation 4540214 (VCV004540214.1).
Genomic context (GRCh38, chr6:142,770,070, plus strand): 5'-CCGATGCCGTCTCATCGATATCTAATTCATCTGAAGATTCTTTGCTTTCAGAAGGCCCAC[T>C]GGACTTCTGCCCCGGAAGTGGTGCCCGGGAACCGGAAAGCATCTCCTTGCTGGGCAGGAA-3'
Protein context (NP_006725.3, residues 1547-1567): SRAPLPGQKS[Ser1557Gly]GPSESKESSD